The following is an entry in ClinVar:

ClinVar aggregate classification (germline): Pathogenic/Likely pathogenic. Review status: criteria provided, multiple submitters, no conflicts (2 of 4 stars). 6 submissions from 6 submitters: Pathogenic (4); Likely pathogenic (1). 1 of the submissions does not count toward it. Last evaluated 2026-05-01.

Conditions:
SLC40A1-related disorder. Also called: SLC40A1-related condition.
Hemochromatosis type 4 (HFE4). Also called: HEMOCHROMATOSIS DUE TO DEFECT IN FERROPORTIN; HEMOCHROMATOSIS, AUTOSOMAL DOMINANT; Ferroportin disease. Identifiers: Orphanet 139491, Orphanet 647834, Orphanet 648562, MedGen C1853733, MONDO:0011631, OMIM 606069.

Submissions (6):

CeGaT Center for Human Genetics Tuebingen
Classification: Pathogenic. Last evaluated: 2026-05-01. Review status: criteria provided, single submitter. Criteria: CeGaT Center For Human Genetics Tuebingen Variant Classification Criteria Version 2. Collection method: clinical testing. Allele origin: germline. Affected: yes. Observed: 2 variant alleles.
Comment: SLC40A1: PP1:Strong, PS4, PM2, PS3:Moderate, PM4:Supporting

Labcorp Genetics (formerly Invitae), Labcorp
Classification: Pathogenic for Hemochromatosis type 4. Last evaluated: 2025-11-05. Review status: criteria provided, single submitter. Criteria: Invitae Variant Classification Sherloc (09022015). Collection method: clinical testing. Allele origin: germline.
Comment: This variant, c.485_487del, results in the deletion of 1 amino acid(s) of the SLC40A1 protein (p.Val162del), but otherwise preserves the integrity of the reading frame. This variant is not present in population databases (gnomAD no frequency). This variant has been observed in individual(s) with hereditary hemochromatosis (PMID: 12091366, 24714983, 29154924, 31689754). It has also been observed to segregate with disease in related individuals. ClinVar contains an entry for this variant (Variation ID: 5414). Algorithms developed to predict the effect of variants on gene product structure and function are not available or were not evaluated for this variant. Experimental studies have shown that this variant affects SLC40A1 function (PMID: 15692071, 16440176, 24714983). For these reasons, this variant has been classified as Pathogenic.

PreventionGenetics, part of Exact Sciences
Classification: Pathogenic for SLC40A1-related condition. Last evaluated: 2025-06-19. Review status: criteria provided, single submitter. Criteria: ACMG Guidelines, 2015. Collection method: clinical testing. Allele origin: germline.
Comment: The SLC40A1 c.485_487delTTG variant is predicted to result in an in-frame deletion (p.Val162del). This variant has previously been reported to be causative for hemochromatosis, type 4 (Wallace et al 2002. PubMed ID: 12091366; Devalia V et al 2002. PubMed ID: 12091367; Callebaut I et al 2014. PubMed ID: 24714983). This variant has not been reported in a large population database, indicating this variant is rare. This variant is interpreted as pathogenic.

Blueprint Genetics
Classification: Pathogenic for SLC40A1-related disorders. Last evaluated: 2023-04-05. Review status: criteria provided, single submitter. Criteria: ACMG Guidelines, 2015. Collection method: clinical testing. Allele origin: germline. Affected: yes. Observed: 2 variant alleles.

Laboratory of Molecular Genetics and Genomics, Rennes University Hospital
Classification: Likely pathogenic for Hemochromatosis type 4. Last evaluated: 2020-07-01. Review status: criteria provided, single submitter. Criteria: ACMG Guidelines, 2015. Collection method: clinical testing. Allele origin: germline. Affected: yes.

OMIM
Classification: Pathogenic for HEMOCHROMATOSIS, TYPE 4. Last evaluated: 2002-11-01. Review status: no assertion criteria provided. Collection method: literature only. Allele origin: germline. Not counted in ClinVar's aggregate classification.

Literature cited by the submitters: PubMed 12091366 (cited by Labcorp Genetics (formerly Invitae), Labcorp and OMIM); PubMed 24714983 (cited by Labcorp Genetics (formerly Invitae), Labcorp); PubMed 29154924 (cited by Labcorp Genetics (formerly Invitae), Labcorp); PubMed 31689754 (cited by Labcorp Genetics (formerly Invitae), Labcorp); PubMed 15692071 (cited by Labcorp Genetics (formerly Invitae), Labcorp); PubMed 16440176 (cited by Labcorp Genetics (formerly Invitae), Labcorp); PubMed 25744502 (cited by Laboratory of Molecular Genetics and Genomics, Rennes University Hospital); PubMed 21199650 (cited by Laboratory of Molecular Genetics and Genomics, Rennes University Hospital); PubMed 12091367 (cited by OMIM); PubMed 12123233 (cited by OMIM); PubMed 12406098 (cited by OMIM).

NM_014585.6(SLC40A1):c.476TTG[3] (p.Val162del)

Gene: SLC40A1 (solute carrier family 40 member 1; minus strand). Cytogenetic location: 2q32.2.
Variant type: Microsatellite.
Coding change: c.476TTG[3] on transcript NM_014585.6 (MANE Select); three copies in a row of the 3-base unit TTG starting at c.476; the reference has four copies in a row; one copy, 3 bases deleted.
Protein change: p.Val162del; deletes valine 162.
Molecular consequence: inframe deletion.
Genome position (GRCh38, 1-based): chr2:189,571,742-189,571,744, CAA deleted on the plus strand (TTG on the coding strand, the reverse complement: SLC40A1 is on the minus strand); deleting any 3 consecutive bases within chr2:189,571,742-189,571,753 gives the same sequence; the position shown is the placement nearest the transcript's 3' end. VCF-style (leftmost placement, unchanged base first): chr2-189571741-GCAA-G. GRCh37 (hg19) VCF-style: chr2-190436467-GCAA-G.
Other names: SLC40A1, 3-BP DEL, VAL162DEL; c.485_487delTTG (NM_014585.5); short protein forms V162del.
Identifiers: ClinVar variation 5414 (VCV000005414.11), dbSNP rs878854984, ClinGen allele CA762274984.